The following is an entry in ClinVar:

NM_001377.3(DYNC2H1):c.7720_7724del (p.Val2574fs)

Gene: DYNC2H1 (dynein cytoplasmic 2 heavy chain 1; plus strand). Cytogenetic location: 11q22.3.
Variant type: Deletion.
Coding change: c.7720_7724del on transcript NM_001377.3 (MANE Select); coding-DNA positions 7720 to 7724, 5 bases deleted (GTTAC; older notation c.7720_7724delGTTAC).
Protein change: p.Val2574fs; shifts the reading frame from valine 2574.
Molecular consequence: frameshift variant.
Genome position (GRCh38, 1-based): chr11:103,197,944-103,197,948, GTTAC deleted; deleting any 5 consecutive bases within chr11:103,197,941-103,197,948 gives the same sequence; the c. name uses the placement nearest the transcript's 3' end. VCF-style (leftmost placement, unchanged base first): chr11-103197940-CTACGT-C. GRCh37 (hg19) VCF-style: chr11-103068669-CTACGT-C.
Other names: c.7720_7724del, p.Val2574fs (NM_001080463.2); short protein forms V2574fs.
Identifiers: ClinVar variation 5015303 (VCV005015303.1).

ClinVar aggregate classification (germline): Pathogenic (1 of 4 stars; one submission).

Conditions:
Asphyxiating thoracic dystrophy 3. Also called: SHORT-RIB THORACIC DYSPLASIA 3 WITH OR WITHOUT POLYDACTYLY; POLYDACTYLY WITH NEONATAL CHONDRODYSTROPHY, TYPE I; SHORT-RIB THORACIC DYSPLASIA 3/6 WITH POLYDACTYLY, DIGENIC; Short rib polydactyly syndrome 2B; Saldino-Noonan Syndrome. Identifiers: Orphanet 474, Orphanet 93269, Orphanet 93270, Orphanet 93271, MedGen C0036069, MONDO:0013127, OMIM 613091.

Submission:

Myriad Genetics, Inc.
Classification: Pathogenic for Asphyxiating thoracic dystrophy 3. Last evaluated: 2025-12-11. Review status: criteria provided, single submitter. Criteria: Myriad Autosomal Dominant, Autosomal Recessive and X-Linked Classification Criteria (2023). Collection method: clinical testing. Allele origin: unknown.
Comment: NM_001377.2(DYNC2H1):c.7720_7724del5(V2574Mfs*6) is expected to be pathogenic in the context of DYNC2H1-related disorders. This variant is predicted to lead to an abnormal or absent protein product due to the creation of a premature termination codon in DYNC2H1, a gene where loss-of-function variants are known to be pathogenic. Please note: this variant was assessed in the context of healthy population screening.